The following is an entry in ClinVar:

ClinVar aggregate classification (germline): Uncertain significance. Review status: criteria provided, multiple submitters, no conflicts (2 of 4 stars). 2 submissions from 2 submitters: Uncertain significance (2). Last evaluated 2025-09-08.

Allele frequency attached by ClinVar (database versions not stated): gnomAD exomes below 0.00001 and 0.00001; ExAC 0.00001; gnomAD 0.00002; TOPMed 0.00005; ESP Exome Variant Server 0.00015.
gnomAD v4.1: 6 of 1,613,816 alleles (0.00037%); highest among the groups gnomAD compares: African/African-American, 0.0053%; no homozygotes.

Submissions (2):

Labcorp Genetics (formerly Invitae), Labcorp
Classification: Uncertain significance. Last evaluated: 2025-09-08. Review status: criteria provided, single submitter. Criteria: Invitae Variant Classification Sherloc (09022015). Collection method: clinical testing. Allele origin: germline.
Comment: This sequence change replaces asparagine, which is neutral and polar, with lysine, which is basic and polar, at codon 125 of the ADAM9 protein (p.Asn125Lys). This variant is present in population databases (rs142011701, gnomAD 0.007%). This variant has not been reported in the literature in individuals affected with ADAM9-related conditions. ClinVar contains an entry for this variant (Variation ID: 969336). Invitae Evidence Modeling of protein sequence and biophysical properties (such as structural, functional, and spatial information, amino acid conservation, physicochemical variation, residue mobility, and thermodynamic stability) indicates that this missense variant is not expected to disrupt ADAM9 protein function with a negative predictive value of 80%. In summary, the available evidence is currently insufficient to determine the role of this variant in disease. Therefore, it has been classified as a Variant of Uncertain Significance.

Blueprint Genetics
Classification: Uncertain significance. Last evaluated: 2023-06-20. Review status: criteria provided, single submitter. Criteria: ACMG Guidelines, 2015. Collection method: clinical testing. Allele origin: germline.

NM_003816.3(ADAM9):c.375T>G (p.Asn125Lys)

Gene: ADAM9 (ADAM metallopeptidase domain 9; plus strand). Cytogenetic location: 8p11.22.
Variant type: single nucleotide variant.
Coding change: c.375T>G on transcript NM_003816.3 (MANE Select); coding-DNA position 375, T replaced by G.
Protein change: p.Asn125Lys; replaces asparagine 125 with lysine.
Molecular consequence: missense variant. On other transcripts: non-coding transcript variant (3).
Genome position (GRCh38, 1-based): chr8:39,016,159, T>G. VCF-style: chr8-39016159-T-G. GRCh37 (hg19) VCF-style: chr8-38873678-T-G.
Other names: short protein forms N125K.
Identifiers: ClinVar variation 969336 (VCV000969336.7), dbSNP rs142011701, ClinGen allele CA4721325.